The following is an entry in ClinVar:

NM_052947.4(ALPK2):c.3563G>A (p.Gly1188Asp)

Gene: ALPK2 (alpha kinase 2; minus strand). Cytogenetic location: 18q21.31.
Variant type: single nucleotide variant.
Coding change: c.3563G>A on transcript NM_052947.4 (MANE Select); coding-DNA position 3563, G replaced by A.
Protein change: p.Gly1188Asp; replaces glycine 1188 with aspartic acid.
Molecular consequence: missense variant.
Genome position (GRCh38, 1-based): chr18:58,536,624, C>T on the plus strand (G>A on the coding strand, the complement: ALPK2 is on the minus strand). VCF-style: chr18-58536624-C-T. GRCh37 (hg19) VCF-style: chr18-56203856-C-T.
Other names: short protein forms G1188D.
Identifiers: ClinVar variation 1732727 (VCV001732727.3), dbSNP rs2051649877, ClinGen allele CA402566459.
Genomic context (GRCh38, chr18:58,536,624, plus strand): 5'-AGAGCCTGACTGTCTTCTTCCCCAGCAGTTTCAGCCACCACGGAGACCCTCGTCCCCCAA[C>T]CTGAGCGCTGCCCTGCTCCTTCCCTAGAGCTTGCGGGTGAGTGGGCCGTGGGCACCAAGT-3'
Protein context (NP_443179.3, residues 1178-1198): SSREGAGQRS[Gly1188Asp]WGTRVSVVAE

ClinVar aggregate classification (germline): Uncertain significance (1 of 4 stars; one submission).

Submission:

Ambry Genetics
Classification: Uncertain significance. Last evaluated: 2024-05-05. Review status: criteria provided, single submitter. Criteria: Ambry Variant Classification Scheme 2023. Collection method: clinical testing. Allele origin: germline.
Comment: The p.G1188D variant (also known as c.3563G>A), located in coding exon 4 of the ALPK2 gene, results from a G to A substitution at nucleotide position 3563. The glycine at codon 1188 is replaced by aspartic acid, an amino acid with similar properties. This amino acid position is conserved. In addition, this alteration is predicted to be tolerated by in silico analysis. Since supporting evidence is limited at this time, the clinical significance of this alteration remains unclear.